The following is an entry in ClinVar:

NM_152732.5(RSPH9):c.235T>C (p.Cys79Arg)

Gene: RSPH9 (radial spoke head component 9; plus strand). Cytogenetic location: 6p21.1.
Variant type: single nucleotide variant.
Coding change: c.235T>C on transcript NM_152732.5 (MANE Select); coding-DNA position 235, T replaced by C.
Protein change: p.Cys79Arg; replaces cysteine 79 with arginine.
Molecular consequence: missense variant. On other transcripts: non-coding transcript variant (1).
Genome position (GRCh38, 1-based): chr6:43,650,382, T>C. VCF-style: chr6-43650382-T-C. GRCh37 (hg19) VCF-style: chr6-43618119-T-C.
Other names: c.235T>C, p.Cys79Arg (NM_001193341.2, NM_001424119.1, NM_001424120.1 and 1 more transcripts); short protein forms C79R.
Identifiers: ClinVar variation 2154209 (VCV002154209.4), dbSNP rs1468687902, ClinGen allele CA364288337.

ClinVar aggregate classification (germline): Uncertain significance (1 of 4 stars; one submission).

Conditions:
Primary ciliary dyskinesia. Also called: Ciliary dyskinesia. Identifiers: Orphanet 244, MedGen C0008780, MONDO:0016575, HP:0012265.

Allele frequency attached by ClinVar (database versions not stated): gnomAD exomes 0.00001.
gnomAD v4.1: 3 of 1,613,276 alleles (0.00019%); highest among the groups gnomAD compares: Non-Finnish European, 0.00025%; no homozygotes.

Submission:

Labcorp Genetics (formerly Invitae), Labcorp
Classification: Uncertain significance for Primary ciliary dyskinesia. Last evaluated: 2022-05-13. Review status: criteria provided, single submitter. Criteria: Invitae Variant Classification Sherloc (09022015). Collection method: clinical testing. Allele origin: germline.
Comment: This sequence change replaces cysteine, which is neutral and slightly polar, with arginine, which is basic and polar, at codon 79 of the RSPH9 protein (p.Cys79Arg). This variant is present in population databases (no rsID available, gnomAD 0.0009%). This variant has not been reported in the literature in individuals affected with RSPH9-related conditions. Algorithms developed to predict the effect of missense changes on protein structure and function (SIFT, PolyPhen-2, Align-GVGD) all suggest that this variant is likely to be tolerated. In summary, the available evidence is currently insufficient to determine the role of this variant in disease. Therefore, it has been classified as a Variant of Uncertain Significance.